The following is an entry in ClinVar:

NM_000384.3(APOB):c.3717G>T (p.Gln1239His)

Gene: APOB (apolipoprotein B; minus strand). Cytogenetic location: 2p24.1.
Variant type: single nucleotide variant.
Coding change: c.3717G>T on transcript NM_000384.3 (MANE Select); coding-DNA position 3717, G replaced by T.
Protein change: p.Gln1239His; replaces glutamine 1239 with histidine.
Molecular consequence: missense variant.
Genome position (GRCh38, 1-based): chr2:21,014,573, C>A on the plus strand (G>T on the coding strand, the complement: APOB is on the minus strand). VCF-style: chr2-21014573-C-A. GRCh37 (hg19) VCF-style: chr2-21237445-C-A.
Other names: short protein forms Q1239H.
Identifiers: ClinVar variation 653616 (VCV000653616.10), dbSNP rs756559649, ClinGen allele CA346008444.
Genomic context (GRCh38, chr2:21,014,573, plus strand): 5'-CTTCAGGCTATTGAGGTGGTCTTGCAAAGTCTGGGTATAAGGAAGACTCCCAGATGCCTT[C>A]TGAAGCCATGAGCTCATTGCCTACAAAATGACAGGAGATTTTTAAGGTAATGGGCTTGGA-3'
Protein context (NP_000375.3, residues 1229-1249): KLIVAMSSWL[Gln1239His]KASGSLPYTQ

ClinVar aggregate classification (germline): Uncertain significance. Review status: criteria provided, multiple submitters, no conflicts (2 of 4 stars). 2 submissions from 2 submitters: Uncertain significance (2). Last evaluated 2021-08-26.

Conditions:
Cardiovascular phenotype. Identifiers: MedGen CN230736.
Familial hypobetalipoproteinemia 1. Also called: Hypobetalipoproteinemia, normotriglyceridemic; Acanthocytosis with hypobetalipoproteinemia; APOB-Related Familial Hypobetalipoproteinemia. Identifiers: MedGen C4551990, MONDO:0014252, OMIM 615558.
Hypercholesterolemia, autosomal dominant, type B (FHCL2). Also called: Familial Hypercholesterolemia Type B; APOLIPOPROTEIN B-100, FAMILIAL DEFECTIVE; APOLIPOPROTEIN B-100, FAMILIAL LIGAND-DEFECTIVE; HYPERCHOLESTEROLEMIA, FAMILIAL, DUE TO LIGAND-DEFECTIVE APOLIPOPROTEIN B; Familial hypercholesterolemia 2; APOB-Related Familial Hypercholesterolemia, Autosomal Dominant. Identifiers: MedGen C1704417, MONDO:0007751, OMIM 144010.

Allele frequency attached by ClinVar (database versions not stated): gnomAD exomes below 0.00001.
gnomAD v4.1: 1 of 1,614,046 alleles (0.000062%); highest among the groups gnomAD compares: Non-Finnish European, 0.000085%; no homozygotes.

Submissions (2):

Labcorp Genetics (formerly Invitae), Labcorp
Classification: Uncertain significance for Familial hypobetalipoproteinemia 1; Hypercholesterolemia, autosomal dominant, type B. Last evaluated: 2021-08-26. Review status: criteria provided, single submitter. Criteria: Invitae Variant Classification Sherloc (09022015). Collection method: clinical testing. Allele origin: germline.
Comment: This sequence change replaces glutamine with histidine at codon 1239 of the APOB protein (p.Gln1239His). The glutamine residue is moderately conserved and there is a small physicochemical difference between glutamine and histidine. This variant is not present in population databases (ExAC no frequency). This variant has not been reported in the literature in individuals affected with APOB-related conditions. Algorithms developed to predict the effect of missense changes on protein structure and function are either unavailable or do not agree on the potential impact of this missense change (SIFT: "Deleterious"; PolyPhen-2: "Probably Damaging"; Align-GVGD: "Class C0"). In summary, the available evidence is currently insufficient to determine the role of this variant in disease. Therefore, it has been classified as a Variant of Uncertain Significance.

Ambry Genetics
Classification: Uncertain significance for Cardiovascular phenotype. Last evaluated: 2018-03-30. Review status: criteria provided, single submitter. Criteria: Ambry Variant Classification Scheme 2023. Collection method: clinical testing. Allele origin: germline.
Comment: The p.Q1239H variant (also known as c.3717G>T), located in coding exon 24 of the APOB gene, results from a G to T substitution at nucleotide position 3717. The glutamine at codon 1239 is replaced by histidine, an amino acid with highly similar properties. This amino acid position is well conserved in available vertebrate species; however, histidine is the reference amino acid in other vertebrate species. In addition, this alteration is predicted to be tolerated by in silico analysis. Since supporting evidence is limited at this time, the clinical significance of this alteration remains unclear.